The following is an entry in ClinVar:

ClinVar aggregate classification (germline): Uncertain significance (1 of 4 stars; one submission).

Submission:

GeneDx
Classification: Uncertain significance. Last evaluated: 2022-11-10. Review status: criteria provided, single submitter. Criteria: GeneDx Variant Classification Process June 2021. Collection method: clinical testing. Allele origin: germline. Affected: yes.
Comment: Not observed at significant frequency in large population cohorts (gnomAD); In silico analysis supports that this variant does not alter protein structure/function; Has not been previously published as pathogenic or benign to our knowledge

NM_001038.6(SCNN1A):c.937_938delinsTC (p.Asn313Ser)

Gene: SCNN1A (sodium channel epithelial 1 subunit alpha; minus strand). Cytogenetic location: 12p13.31.
Variant type: Indel.
Coding change: c.937_938delinsTC on transcript NM_001038.6 (MANE Select); coding-DNA positions 937 to 938, AA replaced by TC.
Protein change: p.Asn313Ser; replaces asparagine 313 with serine.
Molecular consequence: missense variant.
Genome position (GRCh38, 1-based): chr12:6,355,818-6,355,819, TT replaced by GA on the plus strand (AA replaced by TC on the coding strand, the reverse complement: SCNN1A is on the minus strand). VCF-style: chr12-6355818-TT-GA. GRCh37 (hg19) VCF-style: chr12-6464984-TT-GA.
Other names: c.1006_1007delinsTC, p.Asn336Ser (NM_001159575.2); c.1114_1115delinsTC, p.Asn372Ser (NM_001159576.2); short protein forms N313S, N336S, N372S.
Identifiers: ClinVar variation 2502034 (VCV002502034.1), dbSNP rs2497862361, ClinGen allele CA2580615123.